The following is an entry in ClinVar:

ClinVar aggregate classification (germline): Likely pathogenic (1 of 4 stars; one submission).

Conditions:
Rare genetic deafness. Identifiers: Orphanet 96210, MedGen C5680250.

Submission:

Laboratory for Molecular Medicine, Mass General Brigham Personalized Medicine
Classification: Likely pathogenic for Rare genetic deafness. Last evaluated: 2018-02-05. Review status: criteria provided, single submitter. Criteria: LMM Criteria. Collection method: clinical testing. Allele origin: germline. Inheritance: Autosomal recessive inheritance. Observed: 1 variant allele.
Comment: The p.Asn1665fs variant in OTOGL has not been previously reported in individuals with hearing loss and was absent from large population studies. This variant is predicted to cause a frameshift, which alters the protein?s amino acid sequence beginning at position 1665 and leads to a premature termination codon 13 amino acids downstream. This alteration is then predicted to lead to a truncated or ab sent protein. Loss of function of the OTOGL gene is an established disease mecha nism in autosomal recessive hearing loss. In summary, although additional studie s are required to fully establish its clinical significance, this variant is lik ely pathogenic for autosomal recessive hearing loss based on its predicted impac t on the protein. ACMG/AMP Criteria applied: PVS1, PM2.

NM_001378609.3(OTOGL):c.5020_5024del (p.Asn1674fs)

Gene: OTOGL (otogelin like; plus strand). Cytogenetic location: 12q21.31.
Variant type: Deletion.
Coding change: c.5020_5024del on transcript NM_001378609.3 (MANE Select); coding-DNA positions 5020 to 5024, 5 bases deleted (AACTT; older notation c.5020_5024delAACTT).
Protein change: p.Asn1674fs; shifts the reading frame from asparagine 1674.
Molecular consequence: frameshift variant.
Genome position (GRCh38, 1-based): chr12:80,339,234-80,339,238, AACTT deleted; deleting any 5 consecutive bases within chr12:80,339,232-80,339,238 gives the same sequence; the c. name uses the placement nearest the transcript's 3' end. VCF-style (leftmost placement, unchanged base first): chr12-80339231-TTTAAC-T. GRCh37 (hg19) VCF-style: chr12-80733011-TTTAAC-T.
Other names: c.4993_4997delAACTT (NM_173591.3); c.4885_4889del, p.Asn1629fs (NM_001368062.3); c.5020_5024del, p.Asn1674fs (NM_001378610.3, NM_173591.7); short protein forms N1629fs, N1674fs.
Identifiers: ClinVar variation 667384 (VCV000667384.4), dbSNP rs1592726662, ClinGen allele CA915946666.